The following is an entry in ClinVar:

ClinVar aggregate classification (germline): Uncertain significance (1 of 4 stars; one submission).

Conditions:
Isolated microphthalmia 2. Identifiers: Orphanet 2542, MedGen C1864720, MONDO:0012409, OMIM 610093.

Allele frequency attached by ClinVar (database versions not stated): gnomAD 0.00012 and 0.00013; ESP Exome Variant Server 0.00031.
gnomAD v4.1: 313 of 1,614,072 alleles (0.019%); highest among the groups gnomAD compares: Non-Finnish European, 0.026%; no homozygotes.

Submission:

Labcorp Genetics (formerly Invitae), Labcorp
Classification: Uncertain significance for Isolated microphthalmia 2. Last evaluated: 2021-11-04. Review status: criteria provided, single submitter. Criteria: Invitae Variant Classification Sherloc (09022015). Collection method: clinical testing. Allele origin: germline.
Comment: This sequence change replaces glutamic acid, which is acidic and polar, with aspartic acid, which is acidic and polar, at codon 218 of the VSX2 protein (p.Glu218Asp). This variant is present in population databases (rs139224826, gnomAD 0.02%). This variant has not been reported in the literature in individuals affected with VSX2-related conditions. Algorithms developed to predict the effect of missense changes on protein structure and function (SIFT, PolyPhen-2, Align-GVGD) all suggest that this variant is likely to be disruptive. In summary, the available evidence is currently insufficient to determine the role of this variant in disease. Therefore, it has been classified as a Variant of Uncertain Significance.

NM_182894.3(VSX2):c.654G>T (p.Glu218Asp)

Gene: VSX2 (visual system homeobox 2; plus strand). Cytogenetic location: 14q24.3.
Variant type: single nucleotide variant.
Coding change: c.654G>T on transcript NM_182894.3 (MANE Select); coding-DNA position 654, G replaced by T.
Protein change: p.Glu218Asp; replaces glutamic acid 218 with aspartic acid.
Molecular consequence: missense variant.
Genome position (GRCh38, 1-based): chr14:74,259,676, G>T. VCF-style: chr14-74259676-G-T. GRCh37 (hg19) VCF-style: chr14-74726379-G-T.
Other names: short protein forms E218D.
Identifiers: ClinVar variation 1437120 (VCV001437120.3), dbSNP rs139224826, ClinGen allele CA7266405.
Genomic context (GRCh38, chr14:74,259,676, plus strand): 5'-CCGTCGAGCCAAGTGGAGGAAGCGGGAGAAGTGCTGGGGCCGGAGCAGTGTCATGGCGGA[G>T]TATGGGCTCTACGGGGCCATGGTGCGGCACTCCATCCCCCTGCCCGAGTCCATCCTCAAG-3'
Protein context (NP_878314.1, residues 208-228): KCWGRSSVMA[Glu218Asp]YGLYGAMVRH